The following is an entry in ClinVar:

ClinVar aggregate classification (germline): Uncertain significance. Review status: criteria provided, multiple submitters, no conflicts (2 of 4 stars). 2 submissions from 2 submitters: Uncertain significance (2). Last evaluated 2025-07-29.

Conditions:
Cardiovascular phenotype. Identifiers: MedGen CN230736.
Hereditary cancer-predisposing syndrome. Also called: Neoplastic Syndromes, Hereditary; Hereditary Cancer Syndrome; Hereditary neoplastic syndrome; Tumor predisposition. Identifiers: Orphanet 140162, MedGen C0027672, MeSH D009386, MONDO:0015356.
Neurofibromatosis, type 1 (NF1). Also called: Neurofibromatosis, type I; VON RECKLINGHAUSEN DISEASE; Peripheral type neurofibromatosis; NEUROFIBROMATOSIS, TYPE I, SOMATIC. Identifiers: Orphanet 636, MedGen C0027831, MONDO:0018975, OMIM 162200. Disease mechanism: loss of function.

Submissions (2):

Ambry Genetics
Classification: Uncertain significance for Cardiovascular phenotype; Hereditary cancer-predisposing syndrome. Last evaluated: 2025-07-29. Review status: criteria provided, single submitter. Criteria: Ambry Variant Classification Scheme 2023. Collection method: clinical testing. Allele origin: germline.
Comment: The c.3559C>T (p.L1187F) alteration is located in exon 27 (coding exon 27) of the NF1 gene. This alteration results from a C to T substitution at nucleotide position 3559, causing the leucine (L) at amino acid position 1187 to be replaced by a phenylalanine (F). This variant was not reported in population-based cohorts in the Genome Aggregation Database (gnomAD). Another variant at the same codon, c.3560T>G (p.L1187R), has been identified in individuals with features consistent with Neurofibromatosis 1 (Alankarage, 2019; Castellanos, 2020; external communications; Ambry internal data). This amino acid position is highly conserved in available vertebrate species. This alteration is predicted to be deleterious by in silico analysis. Based on insufficient or conflicting evidence, the clinical significance of this alteration remains unclear.

Labcorp Genetics (formerly Invitae), Labcorp
Classification: Uncertain significance for Neurofibromatosis, type 1. Last evaluated: 2020-12-29. Review status: criteria provided, single submitter. Criteria: Invitae Variant Classification Sherloc (09022015). Collection method: clinical testing. Allele origin: germline.
Comment: This sequence change replaces leucine with phenylalanine at codon 1187 of the NF1 protein (p.Leu1187Phe). The leucine residue is moderately conserved and there is a small physicochemical difference between leucine and phenylalanine. This variant is not present in population databases (ExAC no frequency). This variant has not been reported in the literature in individuals with NF1-related conditions. ClinVar contains an entry for this variant (Variation ID: 848620). Advanced modeling of protein sequence and biophysical properties (such as structural, functional, and spatial information, amino acid conservation, physicochemical variation, residue mobility, and thermodynamic stability) performed at Invitae indicates that this missense variant is expected to disrupt NF1 protein function. In summary, the available evidence is currently insufficient to determine the role of this variant in disease. Therefore, it has been classified as a Variant of Uncertain Significance.

Literature cited by the submitters: PubMed 30293987 (cited by Ambry Genetics); PubMed 31573083 (cited by Ambry Genetics).

NM_001042492.3(NF1):c.3559C>T (p.Leu1187Phe)

Gene: NF1 (neurofibromin 1; plus strand). Cytogenetic location: 17q11.2.
Variant type: single nucleotide variant.
Coding change: c.3559C>T on transcript NM_001042492.3 (MANE Select); coding-DNA position 3559, C replaced by T.
Protein change: p.Leu1187Phe; replaces leucine 1187 with phenylalanine.
Molecular consequence: missense variant.
Genome position (GRCh38, 1-based): chr17:31,233,064, C>T. VCF-style: chr17-31233064-C-T. GRCh37 (hg19) VCF-style: chr17-29560082-C-T.
Other names: c.3559C>T, p.Leu1187Phe (NM_000267.4); short protein forms L1187F.
Identifiers: ClinVar variation 848620 (VCV000848620.7), dbSNP rs2067142260, ClinGen allele CA398990042.